The following is an entry in ClinVar:

NM_001077418.3(TMEM231):c.841C>T (p.Leu281Phe)

Gene: TMEM231 (transmembrane protein 231; minus strand). Cytogenetic location: 16q23.1.
Variant type: single nucleotide variant.
Coding change: c.841C>T on transcript NM_001077418.3 (MANE Select); coding-DNA position 841, C replaced by T.
Protein change: p.Leu281Phe; replaces leucine 281 with phenylalanine.
Molecular consequence: missense variant. On other transcripts: non-coding transcript variant (1).
Genome position (GRCh38, 1-based): chr16:75,540,104, G>A on the plus strand (C>T on the coding strand, the complement: TMEM231 is on the minus strand). VCF-style: chr16-75540104-G-A. GRCh37 (hg19) VCF-style: chr16-75574002-G-A.
Other names: c.1000C>T, p.Leu334Phe (NM_001077416.2); short protein forms L281F, L334F.
Identifiers: ClinVar variation 1936694 (VCV001936694.5), dbSNP rs1394893772, ClinGen allele CA396802809.
Genomic context (GRCh38, chr16:75,540,104, plus strand): 5'-GAATGGTGGTCACCACCTGATTCTGAAACACGAAGATCTTGATTCTTTCAAACACCCAGA[G>A]GAAGATAAGCAGGATGCTGACATACTGCACCCAGGCGAACTTTACCATCTCCCAGAATCC-3'
Protein context (NP_001070886.1, residues 271-291): VQYVSILLIF[Leu281Phe]WVFERIKIFV

ClinVar aggregate classification (germline): Uncertain significance (1 of 4 stars; one submission).

Conditions:
Meckel syndrome, type 11 (MKS11). Identifiers: Orphanet 564, MedGen C3809352, MONDO:0014164, OMIM 615397.
Joubert syndrome 20 (JBTS20). Identifiers: Orphanet 475, MedGen C3554235, MONDO:0013994, OMIM 614970.

Allele frequency attached by ClinVar (database versions not stated): gnomAD exomes below 0.00001; TOPMed below 0.00001.
gnomAD v4.1: 1 of 1,613,854 alleles (0.000062%); highest among the groups gnomAD compares: East Asian, 0.0022%; no homozygotes.

Submission:

Labcorp Genetics (formerly Invitae), Labcorp
Classification: Uncertain significance for Joubert syndrome 20; Meckel syndrome, type 11. Last evaluated: 2022-03-23. Review status: criteria provided, single submitter. Criteria: Invitae Variant Classification Sherloc (09022015). Collection method: clinical testing. Allele origin: germline.
Comment: In summary, the available evidence is currently insufficient to determine the role of this variant in disease. Therefore, it has been classified as a Variant of Uncertain Significance. Algorithms developed to predict the effect of missense changes on protein structure and function are either unavailable or do not agree on the potential impact of this missense change (SIFT: "Tolerated"; PolyPhen-2: "Not Available"; Align-GVGD: "Class C0"). This variant has not been reported in the literature in individuals affected with TMEM231-related conditions. This variant is not present in population databases (gnomAD no frequency). This sequence change replaces leucine, which is neutral and non-polar, with phenylalanine, which is neutral and non-polar, at codon 334 of the TMEM231 protein (p.Leu334Phe).